The following is an entry in ClinVar:

NM_007215.4(POLG2):c.865C>G (p.Leu289Val)

Genes: MILR1 (mast cell immunoglobulin like receptor 1; plus strand), POLG2 (DNA polymerase gamma 2, accessory subunit; minus strand). Cytogenetic location: 17q23.3.
Variant type: single nucleotide variant.
Coding change: c.865C>G on transcript NM_007215.4 (MANE Select); coding-DNA position 865, C replaced by G.
Protein change: p.Leu289Val; replaces leucine 289 with valine.
Molecular consequence: missense variant.
Genome position (GRCh38, 1-based): chr17:64,490,900, G>C on the plus strand (C>G on the coding strand, the complement: POLG2 is on the minus strand). VCF-style: chr17-64490900-G-C. GRCh37 (hg19) VCF-style: chr17-62487017-G-C.
Other names: c.865C>G (NM_007215.3); short protein forms L289V.
Identifiers: ClinVar variation 1576352 (VCV001576352.13), dbSNP rs530697513, ClinGen allele CA8712902.
Genomic context (GRCh38, chr17:64,490,900, plus strand): 5'-GATCTCCTAGGTTCCACAGGGTTTCTATTAACTCCTTTCCCCAGGGAAAATTGTAGTAAA[G>C]TTTGTTTCCTTTCCGGCCTTCTTCATCCTGACAGTCACTGCTGCTGAAGTTAGATGGACT-3'
Protein context (NP_009146.2, residues 279-299): QDEEGRKGNK[Leu289Val]YYNFPWGKEL

ClinVar aggregate classification (germline): Conflicting classifications of pathogenicity. Review status: criteria provided, conflicting classifications (1 of 4 stars). 5 submissions from 5 submitters: Uncertain significance (2); Likely benign (3). Last evaluated 2025-11-11.

Allele frequency attached by ClinVar (database versions not stated): gnomAD 0.00004 and 0.00005; TOPMed 0.00005; ExAC 0.00016; gnomAD exomes 0.00016.
gnomAD v4.1: 141 of 1,613,892 alleles (0.0087%); highest among the groups gnomAD compares: Middle Eastern, 0.23%; 2 homozygotes.

Submissions (5):

Labcorp Genetics (formerly Invitae), Labcorp
Classification: Likely benign. Last evaluated: 2025-11-11. Review status: criteria provided, single submitter. Criteria: Invitae Variant Classification Sherloc (09022015). Collection method: clinical testing. Allele origin: germline.

Ambry Genetics
Classification: Uncertain significance. Last evaluated: 2025-04-04. Review status: criteria provided, single submitter. Criteria: Ambry Variant Classification Scheme 2023. Collection method: clinical testing. Allele origin: germline.

Blueprint Genetics
Classification: Likely benign. Last evaluated: 2024-09-11. Review status: criteria provided, single submitter. Criteria: ACMG Guidelines, 2015. Collection method: clinical testing. Allele origin: germline.

GeneDx
Classification: Uncertain significance. Last evaluated: 2024-05-16. Review status: criteria provided, single submitter. Criteria: GeneDx Variant Classification Process June 2021. Collection method: clinical testing. Allele origin: germline. Affected: yes.
Comment: Has not been previously published as pathogenic or benign to our knowledge; In silico analysis indicates that this missense variant does not alter protein structure/function

Breakthrough Genomics
Classification: Likely benign. Review status: criteria provided, single submitter. Criteria: ACMG Guidelines, 2015. Collection method: not provided. Allele origin: germline. Inheritance: Autosomal recessive inheritance. Affected: yes.